The following is an entry in ClinVar:

NM_002474.3(MYH11):c.345T>C (p.Tyr115=)

Gene: MYH11 (myosin heavy chain 11; minus strand). Cytogenetic location: 16p13.11.
Variant type: single nucleotide variant.
Coding change: c.345T>C on transcript NM_002474.3 (MANE Select); coding-DNA position 345, T replaced by C.
Protein change: p.Tyr115=; no amino-acid change (tyrosine 115 retained).
Molecular consequence: synonymous variant.
Genome position (GRCh38, 1-based): chr16:15,837,908, A>G on the plus strand (T>C on the coding strand, the complement: MYH11 is on the minus strand). VCF-style: chr16-15837908-A-G. GRCh37 (hg19) VCF-style: chr16-15931765-A-G.
Other names: c.345T>C, p.Tyr115= (NM_001040113.2, NM_001040114.2, NM_022844.3).
Identifiers: ClinVar variation 3074204 (VCV003074204.1), dbSNP rs2507035898, ClinGen allele CA493885921.

ClinVar aggregate classification (germline): Likely benign (1 of 4 stars; one submission).

Conditions:
Familial thoracic aortic aneurysm and aortic dissection (TAAD). Also called: Thoracic aortic aneurysms and dissections. Identifiers: Orphanet 91387, MedGen C4707243, MONDO:0019625.

Submission:

All of Us Research Program, National Institutes of Health
Classification: Likely benign for Familial thoracic aortic aneurysm and aortic dissection. Last evaluated: 2023-11-02. Review status: criteria provided, single submitter. Criteria: ACMG Guidelines, 2015. Collection method: clinical testing. Allele origin: germline. Inheritance: Autosomal dominant inheritance. Observed: 1 variant allele, 1 heterozygote.
Comment: This study involves interpretation of variants in research participants for the purpose of population health screening. Participant phenotype was not available at the time of variant classification. Additional details can be found in publication PMID: 35346344, PMCID: PMC8962531